The following is an entry in ClinVar:

NM_000176.3(NR3C1):c.1720G>A (p.Ala574Thr)

Gene: NR3C1 (nuclear receptor subfamily 3 group C member 1; minus strand). Cytogenetic location: 5q31.3.
Variant type: single nucleotide variant.
Coding change: c.1720G>A on transcript NM_000176.3 (MANE Select); coding-DNA position 1720, G replaced by A.
Protein change: p.Ala574Thr; replaces alanine 574 with threonine.
Molecular consequence: missense variant. On other transcripts: non-coding transcript variant (1).
Genome position (GRCh38, 1-based): chr5:143,300,512, C>T on the plus strand (G>A on the coding strand, the complement: NR3C1 is on the minus strand). VCF-style: chr5-143300512-C-T. GRCh37 (hg19) VCF-style: chr5-142680077-C-T.
Other names: c.1720G>A, p.Ala574Thr (NM_001018074.1, NM_001018075.1, NM_001018076.2 and 6 more transcripts); c.1723G>A, p.Ala575Thr (NM_001024094.2, NM_001364183.2, NM_001364184.2 and 1 more transcripts); c.1642G>A, p.Ala548Thr (NM_001204258.2); c.1465G>A, p.Ala489Thr (NM_001204259.2); c.1453G>A, p.Ala485Thr (NM_001204260.2); c.1429G>A, p.Ala477Thr (NM_001204261.2); c.775G>A, p.Ala259Thr (NM_001204262.2); c.730G>A, p.Ala244Thr (NM_001204263.2); and 1 more; short protein forms A239T, A244T, A259T, A477T, A485T, A489T, A548T, A574T.
Identifiers: ClinVar variation 4292283 (VCV004292283.1).

ClinVar aggregate classification (germline): Uncertain significance (1 of 4 stars; one submission).

Conditions:
Glucocorticoid resistance. Also called: Gccr deficiency; Glucocorticoid receptor deficiency; Cortisol resistance from glucocorticoid receptor defect; Gcr deficiency; Glucocorticoid resistance, generalized. Identifiers: Orphanet 786, MedGen C1841972, MONDO:0014421, OMIM 615962.

Submission:

3billion
Classification: Uncertain significance for Glucocorticoid resistance. Last evaluated: 2024-06-28. Review status: criteria provided, single submitter. Criteria: ACMG Guidelines, 2015. Collection method: clinical testing. Allele origin: germline. Affected: yes.
Comment: The variant is not observed in the gnomAD v4.0.0 dataset. Predicted Consequence/Location: Missense changes are a common disease-causing mechanism. In silico tool predictions suggest damaging effect of the variant on gene or gene product [REVEL: 0.70 (>=0.6, sensitivity 0.68 and specificity 0.92)]. Therefore, this variant is classified as VUS according to the recommendation of ACMG/AMP guideline.